The following is an entry in ClinVar:

NM_004006.3(DMD):c.323T>C (p.Leu108Pro)

Gene: DMD (dystrophin; minus strand). Cytogenetic location: Xp21.1.
Variant type: single nucleotide variant.
Coding change: c.323T>C on transcript NM_004006.3 (MANE Select); coding-DNA position 323, T replaced by C.
Protein change: p.Leu108Pro; replaces leucine 108 with proline.
Molecular consequence: missense variant. On other transcripts: 5 prime UTR variant (1).
Genome position (GRCh38, 1-based): chrX:32,823,329, A>G on the plus strand (T>C on the coding strand, the complement: DMD is on the minus strand). VCF-style: chrX-32823329-A-G. GRCh37 (hg19) VCF-style: chrX-32841446-A-G.
Other names: c.299T>C, p.Leu100Pro (NM_000109.4); c.311T>C, p.Leu104Pro (NM_004009.3); c.-47T>C (NM_004010.3); short protein forms L108P, L104P, L100P.
Identifiers: ClinVar variation 526094 (VCV000526094.9), dbSNP rs1557058350, ClinGen allele CA412674484.
Genomic context (GRCh38, chrX:32,823,329, plus strand): 5'-AGGAAACCATTCATCAGGATTCTTACCTGCCAGTGGAGGATTATATTCCAAATCAAACCA[A>G]GAGTCAGTTTATGATTTCCATCTACGATGTCAGTACTTCCAATATTCACTAAATCAACCT-3'
Protein context (NP_003997.2, residues 98-118): DIVDGNHKLT[Leu108Pro]GLIWNIILHW

ClinVar aggregate classification (germline): Likely pathogenic (1 of 4 stars; one submission).

Conditions:
Duchenne muscular dystrophy (DMD). Also called: Duchenne Muscular Dystrophy (DMD); MUSCULAR DYSTROPHY, PSEUDOHYPERTROPHIC PROGRESSIVE, DUCHENNE TYPE. Identifiers: Orphanet 98896, MedGen C0013264, MONDO:0010679, OMIM 310200.

Submission:

Labcorp Genetics (formerly Invitae), Labcorp
Classification: Likely pathogenic for Duchenne muscular dystrophy. Last evaluated: 2022-04-25. Review status: criteria provided, single submitter. Criteria: Invitae Variant Classification Sherloc (09022015). Collection method: clinical testing. Allele origin: germline.
Comment: In summary, the currently available evidence indicates that the variant is pathogenic, but additional data are needed to prove that conclusively. Therefore, this variant has been classified as Likely Pathogenic. Algorithms developed to predict the effect of missense changes on protein structure and function (SIFT, PolyPhen-2, Align-GVGD) all suggest that this variant is likely to be disruptive. ClinVar contains an entry for this variant (Variation ID: 526094). This missense change has been observed in individuals with DMD-related conditions (PMID: 16770791; Invitae). This variant is not present in population databases (gnomAD no frequency). This sequence change replaces leucine, which is neutral and non-polar, with proline, which is neutral and non-polar, at codon 108 of the DMD protein (p.Leu108Pro).

Literature cited by the submitters: PubMed 16770791.